The following is an entry in ClinVar:

ClinVar aggregate classification (germline): Likely benign (0 of 4 stars; one submission).

Conditions:
SPAG6-related disorder. Also called: SPAG6-related condition.

Allele frequency attached by ClinVar (database versions not stated): 1000 Genomes Project 0.00819; 1000 Genomes Project 30x 0.00906; ExAC 0.01171; TOPMed 0.01754.
gnomAD v4.1: 36,519 of 1,533,924 alleles (2.4%); highest among the groups gnomAD compares: Non-Finnish European, 2.8%; 559 homozygotes.

Submission:

PreventionGenetics, part of Exact Sciences
Classification: Likely benign for SPAG6-related condition. Last evaluated: 2020-09-29. Review status: no assertion criteria provided. Collection method: clinical testing. Allele origin: germline.
Comment: This variant is classified as likely benign based on ACMG/AMP sequence variant interpretation guidelines (Richards et al. 2015 PMID: 25741868, with internal and published modifications).

NM_012443.4(SPAG6):c.122-4031A>C

Gene: SPAG6 (sperm associated antigen 6; plus strand). Cytogenetic location: 10p12.2.
Variant type: single nucleotide variant.
Coding change: c.122-4031A>C on transcript NM_012443.4 (MANE Select); 4031 bases into the intron before coding-DNA position 122, A replaced by C.
Molecular consequence: intron variant. On other transcripts: missense variant (1), initiator codon variant (1).
Genome position (GRCh38, 1-based): chr10:22,360,822, A>C. VCF-style: chr10-22360822-A-C. GRCh37 (hg19) VCF-style: chr10-22649751-A-C.
Other names: c.1A>C, p.Met1Leu (NM_001253854.2); c.56-4031A>C (NM_001253855.2); c.122-4031A>C (NM_172242.3); short protein forms M1L.
Identifiers: ClinVar variation 3037471 (VCV003037471.2), dbSNP rs1170550, ClinGen allele CA5436693.